The following is an entry in ClinVar:

NM_015338.6(ASXL1):c.4537A>T (p.Met1513Leu)

Gene: ASXL1 (ASXL transcriptional regulator 1; plus strand). Cytogenetic location: 20q11.21.
Variant type: single nucleotide variant.
Coding change: c.4537A>T on transcript NM_015338.6 (MANE Select); coding-DNA position 4537, A replaced by T.
Protein change: p.Met1513Leu; replaces methionine 1513 with leucine.
Molecular consequence: missense variant.
Genome position (GRCh38, 1-based): chr20:32,437,249, A>T. VCF-style: chr20-32437249-A-T. GRCh37 (hg19) VCF-style: chr20-31025052-A-T.
Other names: c.4354A>T, p.Met1452Leu (NM_001363734.1); short protein forms M1513L, M1452L.
Identifiers: ClinVar variation 2797897 (VCV002797897.4), dbSNP rs778498255, ClinGen allele CA9809045.
Genomic context (GRCh38, chr20:32,437,249, plus strand): 5'-TTCACTGACAGCAGCACGGTGGAAAGCATCTCGCTCCAGTGTGCGTGCAGCCTGAAAGCC[A>T]TGATCATGTGCCAAGGCTGCGGTGCGTTCTGTCACGATGACTGTATTGGACCCTCAAAGC-3'
Protein context (NP_056153.2, residues 1503-1523): SLQCACSLKA[Met1513Leu]IMCQGCGAFC

ClinVar aggregate classification (germline): Uncertain significance. Review status: criteria provided, multiple submitters, no conflicts (2 of 4 stars). 2 submissions from 2 submitters: Uncertain significance (2). Last evaluated 2025-07-07.

Conditions:
Inborn genetic diseases. Identifiers: MedGen C0950123, MeSH D030342.

Allele frequency attached by ClinVar (database versions not stated): ExAC 0.00001; gnomAD exomes below 0.00001.

Submissions (2):

Labcorp Genetics (formerly Invitae), Labcorp
Classification: Uncertain significance. Last evaluated: 2025-07-07. Review status: criteria provided, single submitter. Criteria: Invitae Variant Classification Sherloc (09022015). Collection method: clinical testing. Allele origin: germline.
Comment: This sequence change replaces methionine, which is neutral and non-polar, with leucine, which is neutral and non-polar, at codon 1513 of the ASXL1 protein (p.Met1513Leu). This variant is present in population databases (rs778498255, gnomAD 0.006%). This variant has not been reported in the literature in individuals affected with ASXL1-related conditions. ClinVar contains an entry for this variant (Variation ID: 2797897). An algorithm developed to predict the effect of missense changes on protein structure and function (PolyPhen-2) suggests that this variant is likely to be disruptive. In summary, the available evidence is currently insufficient to determine the role of this variant in disease. Therefore, it has been classified as a Variant of Uncertain Significance.

Ambry Genetics
Classification: Uncertain significance for Inborn genetic diseases. Last evaluated: 2025-02-28. Review status: criteria provided, single submitter. Criteria: Ambry Variant Classification Scheme 2023. Collection method: clinical testing. Allele origin: germline.
Comment: The p.M1513L variant (also known as c.4537A>T), located in coding exon 13 of the ASXL1 gene, results from an A to T substitution at nucleotide position 4537. The methionine at codon 1513 is replaced by leucine, an amino acid with highly similar properties. This amino acid position is conserved. In addition, the in silico prediction for this alteration is inconclusive. Based on the available evidence, the clinical significance of this variant remains unclear.